The following is an entry in ClinVar:

ClinVar aggregate classification (germline): Pathogenic (1 of 4 stars; one submission).

Conditions:
Duchenne muscular dystrophy (DMD). Also called: MUSCULAR DYSTROPHY, PSEUDOHYPERTROPHIC PROGRESSIVE, DUCHENNE TYPE; Duchenne Muscular Dystrophy (DMD). Identifiers: Orphanet 98896, MedGen C0013264, MONDO:0010679, OMIM 310200.

Submission:

Labcorp Genetics (formerly Invitae), Labcorp
Classification: Pathogenic for Duchenne muscular dystrophy. Last evaluated: 2018-01-24. Review status: criteria provided, single submitter. Criteria: Invitae Variant Classification Sherloc (09022015). Collection method: clinical testing. Allele origin: germline.
Comment: For these reasons, this variant has been classified as Pathogenic. Donor and acceptor splice site variants typically lead to a loss of protein function (PMID: 16199547), and loss-of-function variants in DMD are known to be pathogenic (PMID: 16770791, 25007885). Experimental studies have shown that this variant disrupts normal splicing, which leads to the creation of a premature stop codon (PMID: 27515321). This variant has been reported in an individual affected with Duchenne muscular dystrophy (PMID: 27515321). This variant is not present in population databases (ExAC no frequency). This sequence change affects an acceptor splice site in intron 26 of the DMD gene. It is expected to disrupt RNA splicing and likely results in an absent or disrupted protein product.

Literature cited by the submitters: PubMed 16199547; PubMed 16770791; PubMed 25007885; PubMed 27515321.

NM_004006.3(DMD):c.3604-1G>C

Gene: DMD (dystrophin; minus strand). Cytogenetic location: Xp21.1.
Variant type: single nucleotide variant.
Coding change: c.3604-1G>C on transcript NM_004006.3 (MANE Select); the canonical splice acceptor site of the intron before coding-DNA position 3604, G replaced by C.
Molecular consequence: splice acceptor variant.
Genome position (GRCh38, 1-based): chrX:32,448,639, C>G on the plus strand (G>C on the coding strand, the complement: DMD is on the minus strand). VCF-style: chrX-32448639-C-G. GRCh37 (hg19) VCF-style: chrX-32466756-C-G.
Other names: c.3580-1G>C (NM_000109.4); c.3592-1G>C (NM_004009.3); c.3235-1G>C (NM_004010.3).
Identifiers: ClinVar variation 578444 (VCV000578444.8), dbSNP rs1569562952, ClinGen allele CA412662431.